The following is an entry in ClinVar:

NM_013254.4(TBK1):c.813-7A>C

Gene: TBK1 (TANK binding kinase 1; plus strand). Cytogenetic location: 12q14.2.
Variant type: single nucleotide variant.
Coding change: c.813-7A>C on transcript NM_013254.4 (MANE Select); 7 bases into the intron before coding-DNA position 813, A replaced by C.
Molecular consequence: intron variant.
Genome position (GRCh38, 1-based): chr12:64,481,835, A>C. VCF-style: chr12-64481835-A-C. GRCh37 (hg19) VCF-style: chr12-64875615-A-C.
Identifiers: ClinVar variation 1621042 (VCV001621042.10), dbSNP rs376075252, ClinGen allele CA238264720.
Genomic context (GRCh38, chr12:64,481,835, plus strand): 5'-ATGATTTTTTAACCTAGACAGAATATGATATATTCACTCTTCAAGTAACTTTTCAATACT[A>C]TTTTAGGGGTCTTCAGGTTCTACTTACCCCTGTTCTTGCAAACATCCTTGAAGCAGATCA-3'

ClinVar aggregate classification (germline): Conflicting classifications of pathogenicity. Review status: criteria provided, conflicting classifications (1 of 4 stars). 4 submissions from 3 submitters: Uncertain significance (2); Likely benign (2). Last evaluated 2024-11-26.

Conditions:
Frontotemporal dementia and/or amyotrophic lateral sclerosis 4. Also called: FTDALS4. Identifiers: Orphanet 275872, MedGen C4225325, MONDO:0014641, OMIM 616439.
Encephalopathy, acute, infection-induced (herpes-specific), susceptibility to, 8. Also called: HERPES SIMPLEX ENCEPHALITIS, SUSCEPTIBILITY TO, 6. Identifiers: MedGen C4693542, MONDO:0054754, OMIM 617900.

Allele frequency attached by ClinVar (database versions not stated): TOPMed 0.00001; ESP Exome Variant Server 0.00008.
gnomAD v4.1: 14 of 1,566,134 alleles (0.00089%); highest among the groups gnomAD compares: Non-Finnish European, 0.0012%; no homozygotes.

Submissions (4):

Blueprint Genetics
Classification: Likely benign. Last evaluated: 2024-11-26. Review status: criteria provided, single submitter. Criteria: ACMG Guidelines, 2015. Collection method: clinical testing. Allele origin: germline.

Labcorp Genetics (formerly Invitae), Labcorp
Classification: Likely benign for Frontotemporal dementia and/or amyotrophic lateral sclerosis 4. Last evaluated: 2022-03-11. Review status: criteria provided, single submitter. Criteria: Invitae Variant Classification Sherloc (09022015). Collection method: clinical testing. Allele origin: germline.

Center for Genomics, Ann and Robert H. Lurie Children's Hospital of Chicago
Classification: Uncertain significance for Encephalopathy, acute, infection-induced (herpes-specific), susceptibility to, 8; Frontotemporal dementia and/or amyotrophic lateral sclerosis 4. Last evaluated: 2021-03-30. Review status: criteria provided, single submitter. Criteria: ACMG Guidelines, 2015. Collection method: clinical testing. Allele origin: germline.
Comment: TBK1 NM_013254.3 Intron 7 c.813-7A>C: This variant has not been reported in the literature but is present in 0.006% (1/15428) of European alleles in the Genome Aggregation Database. Evolutionary conservation and computational predictive tools for this variant are limited or unavailable. This variant is an intronic variant with no predicted change in the amino acid sequence but may have an unknown effect on splicing. Further studies are needed to understand its impact. In summary, data on this variant is insufficient for disease classification. Therefore, the clinical significance of this variant is uncertain.

Center for Genomics, Ann and Robert H. Lurie Children's Hospital of Chicago
Classification: Uncertain significance for Frontotemporal dementia and/or amyotrophic lateral sclerosis 4. Last evaluated: 2020-11-25. Review status: criteria provided, single submitter. Criteria: ACMG Guidelines, 2015. Collection method: clinical testing. Allele origin: germline.
Comment: the same text as in the submission from Center for Genomics, Ann and Robert H. Lurie Children's Hospital of Chicago above.